The following is an entry in ClinVar:

NM_018714.3(COG1):c.1688C>T (p.Ala563Val)

Gene: COG1 (component of oligomeric golgi complex 1; plus strand). Cytogenetic location: 17q25.1.
Variant type: single nucleotide variant.
Coding change: c.1688C>T on transcript NM_018714.3 (MANE Select); coding-DNA position 1688, C replaced by T.
Protein change: p.Ala563Val; replaces alanine 563 with valine.
Molecular consequence: missense variant.
Genome position (GRCh38, 1-based): chr17:73,201,515, C>T. VCF-style: chr17-73201515-C-T. GRCh37 (hg19) VCF-style: chr17-71197654-C-T.
Other names: c.1688C>T (NM_018714.2); short protein forms A563V.
Identifiers: ClinVar variation 1373722 (VCV001373722.4), dbSNP rs375617141, ClinGen allele CA8740264.

ClinVar aggregate classification (germline): Uncertain significance. Review status: criteria provided, multiple submitters, no conflicts (2 of 4 stars). 2 submissions from 2 submitters: Uncertain significance (2). Last evaluated 2025-01-30.

Conditions:
Inborn genetic diseases. Identifiers: MedGen C0950123, MeSH D030342.
COG1 congenital disorder of glycosylation (CDG2G). Also called: CONGENITAL DISORDER OF GLYCOSYLATION, TYPE IIg; CDG IIg; CDGII/COG1 CEREBROCOSTOMANDIBULAR-LIKE SYNDROME. Identifiers: Orphanet 263508, MedGen C2931011, MONDO:0012637, OMIM 611209.

Allele frequency attached by ClinVar (database versions not stated): gnomAD exomes 0.00002 and 0.00004; ExAC 0.00007; gnomAD 0.00010; TOPMed 0.00012; ESP Exome Variant Server 0.00023.
gnomAD v4.1: 47 of 1,614,112 alleles (0.0029%); highest among the groups gnomAD compares: African/African-American, 0.015%; no homozygotes.

Submissions (2):

Ambry Genetics
Classification: Uncertain significance for Inborn genetic diseases. Last evaluated: 2025-01-30. Review status: criteria provided, single submitter. Criteria: Ambry Variant Classification Scheme 2023. Collection method: clinical testing. Allele origin: germline.

Labcorp Genetics (formerly Invitae), Labcorp
Classification: Uncertain significance for COG1 congenital disorder of glycosylation. Last evaluated: 2022-06-04. Review status: criteria provided, single submitter. Criteria: Invitae Variant Classification Sherloc (09022015). Collection method: clinical testing. Allele origin: germline.
Comment: This sequence change replaces alanine, which is neutral and non-polar, with valine, which is neutral and non-polar, at codon 563 of the COG1 protein (p.Ala563Val). This variant is present in population databases (rs375617141, gnomAD 0.02%). This variant has not been reported in the literature in individuals affected with COG1-related conditions. ClinVar contains an entry for this variant (Variation ID: 1373722). Algorithms developed to predict the effect of missense changes on protein structure and function are either unavailable or do not agree on the potential impact of this missense change (SIFT: "Tolerated"; PolyPhen-2: "Possibly Damaging"; Align-GVGD: "Class C0"). In summary, the available evidence is currently insufficient to determine the role of this variant in disease. Therefore, it has been classified as a Variant of Uncertain Significance.